The following is an entry in ClinVar:

ClinVar aggregate classification (germline): Uncertain significance (1 of 4 stars; one submission).

Submission:

Labcorp Genetics (formerly Invitae), Labcorp
Classification: Uncertain significance. Last evaluated: 2025-04-09. Review status: criteria provided, single submitter. Criteria: Invitae Variant Classification Sherloc (09022015). Collection method: clinical testing. Allele origin: germline.
Comment: This sequence change replaces threonine, which is neutral and polar, with isoleucine, which is neutral and non-polar, at codon 397 of the MKL1 protein (p.Thr397Ile). This variant is not present in population databases (gnomAD no frequency). This variant has not been reported in the literature in individuals affected with MKL1-related conditions. An algorithm developed to predict the effect of missense changes on protein structure and function (PolyPhen-2) suggests that this variant is likely to be tolerated. In summary, the available evidence is currently insufficient to determine the role of this variant in disease. Therefore, it has been classified as a Variant of Uncertain Significance.

NM_020831.6(MRTFA):c.1490C>T (p.Thr497Ile)

Gene: MRTFA (myocardin related transcription factor A; minus strand). Cytogenetic location: 22q13.1.
Variant type: single nucleotide variant.
Coding change: c.1490C>T on transcript NM_020831.6 (MANE Select); coding-DNA position 1490, C replaced by T.
Protein change: p.Thr497Ile; replaces threonine 497 with isoleucine.
Molecular consequence: missense variant.
Genome position (GRCh38, 1-based): chr22:40,419,248, G>A on the plus strand (C>T on the coding strand, the complement: MRTFA is on the minus strand). VCF-style: chr22-40419248-G-A. GRCh37 (hg19) VCF-style: chr22-40815252-G-A.
Other names: c.1190C>T, p.Thr397Ile (NM_001282660.2); c.1340C>T, p.Thr447Ile (NM_001282661.3); c.1490C>T, p.Thr497Ile (NM_001282662.3); c.1295C>T, p.Thr432Ile (NM_001318139.2); short protein forms T397I, T447I, T497I, T432I.
Identifiers: ClinVar variation 4716978 (VCV004716978.1).